The following is an entry in ClinVar:

ClinVar aggregate classification (germline): Likely benign. Review status: criteria provided, multiple submitters, no conflicts (2 of 4 stars). 2 submissions from 2 submitters: Likely benign (2). Last evaluated 2026-03-01.

Conditions:
Pitt-Hopkins syndrome (PTHS). Also called: ENCEPHALOPATHY, SEVERE EPILEPTIC, WITH AUTONOMIC DYSFUNCTION; MENTAL RETARDATION, SYNDROMAL, WITH INTERMITTENT HYPERVENTILATION. Identifiers: Orphanet 2896, MedGen C1970431, MONDO:0012589, OMIM 610954.

Allele frequency attached by ClinVar (database versions not stated): gnomAD 0.00001; ESP Exome Variant Server 0.00008.
gnomAD v4.1: 48 of 1,613,386 alleles (0.003%); highest among the groups gnomAD compares: Non-Finnish European, 0.0037%; no homozygotes.

Submissions (2):

CeGaT Center for Human Genetics Tuebingen
Classification: Likely benign. Last evaluated: 2026-03-01. Review status: criteria provided, single submitter. Criteria: CeGaT Center For Human Genetics Tuebingen Variant Classification Criteria Version 2. Collection method: clinical testing. Allele origin: germline. Affected: yes. Observed: 1 variant allele.
Comment: TCF4: BP4

Labcorp Genetics (formerly Invitae), Labcorp
Classification: Likely benign for Pitt-Hopkins syndrome. Last evaluated: 2025-06-03. Review status: criteria provided, single submitter. Criteria: Invitae Variant Classification Sherloc (09022015). Collection method: clinical testing. Allele origin: germline.

NM_001083962.2(TCF4):c.36G>C (p.Thr12=)

Gene: TCF4 (transcription factor 4; minus strand). Cytogenetic location: 18q21.2.
Variant type: single nucleotide variant.
Coding change: c.36G>C on transcript NM_001083962.2 (MANE Select); coding-DNA position 36, G replaced by C.
Protein change: p.Thr12=; no amino-acid change (threonine 12 retained).
Molecular consequence: synonymous variant. On other transcripts: intron variant (12).
Genome position (GRCh38, 1-based): chr18:55,587,081, C>G on the plus strand (G>C on the coding strand, the complement: TCF4 is on the minus strand). VCF-style: chr18-55587081-C-G. GRCh37 (hg19) VCF-style: chr18-53254312-C-G.
Other names: c.342G>C, p.Thr114= (NM_001243226.3); c.36G>C, p.Thr12= (NM_001243228.2, NM_001330604.3, NM_001369567.1 and 8 more transcripts); c.1-1729G>C (NM_001369584.1, NM_001369576.1, NM_001369577.1 and 3 more transcripts); c.66+1389G>C (NM_001243230.2); c.-1+957G>C (NM_001369585.1, NM_001369578.1, NM_001369579.1 and 2 more transcripts).
Identifiers: ClinVar variation 1119726 (VCV001119726.13), dbSNP rs373774656, ClinGen allele CA8970685.
Genomic context (GRCh38, chr18:55,587,081, plus strand): 5'-TTAGTTTCCACCGTTCTTTCTTACCGCACTGAAATCCAGTAAATCACTCAGCTCTTTGTC[C>G]GTCCCTAAGGCAGCCATTCGCTGTTGGTGATGCATTTTAGCAAAATCACACAAACCTAGA-3'
Protein context (NP_001077431.1, residues 2-22): HHQQRMAALG[Thr12=]DKELSDLLDF